The following is an entry in ClinVar:

ClinVar aggregate classification (germline): Uncertain significance. Review status: criteria provided, single submitter (1 of 4 stars). 2 submissions from 2 submitters: Uncertain significance (1). 1 of the submissions does not count toward it. Last evaluated 2021-01-29.

Conditions:
INF2-related disorder. Also called: INF2-related condition.
Focal segmental glomerulosclerosis 5 (FSGS5). Identifiers: Orphanet 656, MedGen C2750475, MONDO:0013191, OMIM 613237.
Charcot-Marie-Tooth disease dominant intermediate E. Also called: CHARCOT-MARIE-TOOTH NEUROPATHY WITH FOCAL SEGMENTAL GLOMERULONEPHRITIS. Identifiers: Orphanet 93114, MedGen C4302667, MONDO:0013758, OMIM 614455.

Allele frequency attached by ClinVar (database versions not stated): ExAC 0.00001; gnomAD 0.00001; gnomAD exomes 0.00002.
gnomAD v4.1: 9 of 1,602,886 alleles (0.00056%); highest among the groups gnomAD compares: Admixed American, 0.0067%; no homozygotes.

Submissions (2):

Labcorp Genetics (formerly Invitae), Labcorp
Classification: Uncertain significance for Charcot-Marie-Tooth disease dominant intermediate E; Focal segmental glomerulosclerosis 5. Last evaluated: 2021-01-29. Review status: criteria provided, single submitter. Criteria: Invitae Variant Classification Sherloc (09022015). Collection method: clinical testing. Allele origin: germline.
Comment: This variant has not been reported in the literature in individuals with INF2-related conditions. This variant is present in population databases (rs772037388, ExAC 0.002%). This sequence change replaces methionine with threonine at codon 534 of the INF2 protein (p.Met534Thr). The methionine residue is weakly conserved and there is a moderate physicochemical difference between methionine and threonine. Algorithms developed to predict the effect of missense changes on protein structure and function output the following: SIFT: "Tolerated"; PolyPhen-2: "Not Available"; Align-GVGD: "Class C0". The threonine amino acid residue is found in multiple mammalian species, suggesting that this missense change does not adversely affect protein function. These predictions have not been confirmed by published functional studies and their clinical significance is uncertain. In summary, the available evidence is currently insufficient to determine the role of this variant in disease. Therefore, it has been classified as a Variant of Uncertain Significance.

PreventionGenetics, part of Exact Sciences
Classification: Uncertain significance for INF2-related condition. Last evaluated: 2024-03-28. Review status: no assertion criteria provided. Collection method: clinical testing. Allele origin: germline. Not counted in ClinVar's aggregate classification.
Comment: The INF2 c.1601T>C variant is predicted to result in the amino acid substitution p.Met534Thr. To our knowledge, this variant has not been reported in the literature. This variant is reported in 0.0087% of alleles in individuals of Latino descent in gnomAD. At this time, the clinical significance of this variant is uncertain due to the absence of conclusive functional and genetic evidence.

NM_022489.4(INF2):c.1601T>C (p.Met534Thr)

Gene: INF2 (inverted formin 2; plus strand). Cytogenetic location: 14q32.33.
Variant type: single nucleotide variant.
Coding change: c.1601T>C on transcript NM_022489.4 (MANE Select); coding-DNA position 1601, T replaced by C.
Protein change: p.Met534Thr; replaces methionine 534 with threonine.
Molecular consequence: missense variant.
Genome position (GRCh38, 1-based): chr14:104,707,868, T>C. VCF-style: chr14-104707868-T-C. GRCh37 (hg19) VCF-style: chr14-105174205-T-C.
Other names: c.1601T>C, p.Met534Thr (NM_001031714.4); c.1601T>C (NM_022489.3); short protein forms M534T.
Identifiers: ClinVar variation 1384397 (VCV001384397.9), dbSNP rs772037388, ClinGen allele CA7372603.